The following is an entry in ClinVar:

ClinVar aggregate classification (germline): Uncertain significance (1 of 4 stars; one submission).

Submission:

GeneDx
Classification: Uncertain significance. Last evaluated: 2023-02-06. Review status: criteria provided, single submitter. Criteria: GeneDx Variant Classification Process June 2021. Collection method: clinical testing. Allele origin: germline. Affected: yes.
Comment: Not observed at significant frequency in large population cohorts (gnomAD); In silico analysis supports that this missense variant does not alter protein structure/function; Has not been previously published as pathogenic or benign to our knowledge; In silico analysis suggests this variant may impact gene splicing. In the absence of RNA/functional studies, the actual effect of this sequence change is unknown.

NM_006767.4(LZTR1):c.1609C>G (p.Arg537Gly)

Gene: LZTR1 (leucine zipper like post translational regulator 1; plus strand). Cytogenetic location: 22q11.21.
Variant type: single nucleotide variant.
Coding change: c.1609C>G on transcript NM_006767.4 (MANE Select); coding-DNA position 1609, C replaced by G.
Protein change: p.Arg537Gly; replaces arginine 537 with glycine.
Molecular consequence: missense variant.
Genome position (GRCh38, 1-based): chr22:20,994,263, C>G. VCF-style: chr22-20994263-C-G. GRCh37 (hg19) VCF-style: chr22-21348552-C-G.
Other names: short protein forms R537G.
Identifiers: ClinVar variation 2574924 (VCV002574924.1), dbSNP rs754507552, ClinGen allele CA410776254.